The following is an entry in ClinVar:

NM_001378120.1(MBD5):c.3043C>A (p.Leu1015Ile)

Gene: MBD5 (methyl-CpG binding domain protein 5; plus strand). Cytogenetic location: 2q23.1.
Variant type: single nucleotide variant.
Coding change: c.3043C>A on transcript NM_001378120.1 (MANE Select); coding-DNA position 3043, C replaced by A.
Protein change: p.Leu1015Ile; replaces leucine 1015 with isoleucine.
Molecular consequence: missense variant. On other transcripts: intron variant (1).
Genome position (GRCh38, 1-based): chr2:148,483,634, C>A. VCF-style: chr2-148483634-C-A. GRCh37 (hg19) VCF-style: chr2-149241203-C-A.
Other names: c.2845+198C>A (NM_018328.5); short protein forms L1015I.
Identifiers: ClinVar variation 2672826 (VCV002672826.23), dbSNP rs1681238210, ClinGen allele CA348723250.

ClinVar aggregate classification (germline): Uncertain significance (1 of 4 stars; one submission).

gnomAD v4.1: 2 of 1,551,654 alleles (0.00013%); highest among the groups gnomAD compares: Non-Finnish European, 0.00017%; no homozygotes.

Submission:

CeGaT Center for Human Genetics Tuebingen
Classification: Uncertain significance. Last evaluated: 2023-11-01. Review status: criteria provided, single submitter. Criteria: CeGaT Center For Human Genetics Tuebingen Variant Classification Criteria Version 2. Collection method: clinical testing. Allele origin: germline. Affected: yes. Observed: 1 variant allele.
Comment: MBD5: PM2, BP4